The following is an entry in ClinVar:

NM_019066.5(MAGEL2):c.1221G>A (p.Pro407=)

Gene: MAGEL2 (MAGE family member L2; minus strand). Cytogenetic location: 15q11.2.
Variant type: single nucleotide variant.
Coding change: c.1221G>A on transcript NM_019066.5 (MANE Select); coding-DNA position 1221, G replaced by A.
Protein change: p.Pro407=; no amino-acid change (proline 407 retained).
Molecular consequence: synonymous variant.
Genome position (GRCh38, 1-based): chr15:23,646,522, C>T on the plus strand (G>A on the coding strand, the complement: MAGEL2 is on the minus strand). VCF-style: chr15-23646522-C-T. GRCh37 (hg19) VCF-style: chr15-23891669-C-T.
Identifiers: ClinVar variation 737987 (VCV000737987.19), dbSNP rs1315124369, ClinGen allele CA711339807.
Genomic context (GRCh38, chr15:23,646,522, plus strand): 5'-TGGGCCAGGGCGGATGGGTGGTGGGCCAGGGCGGATGGGCGGGGGCCCCTGGCGCATGGG[C>T]GGCGGCACCTGCCAGGTAACGGCTGGTGCCTGCCAGGTGACCTGCGTGGTCTGCCAAGTC-3'
Protein context (NP_061939.3, residues 397-417): QAPAVTWQVP[Pro407=]PMRQGPPPIR

ClinVar aggregate classification (germline): Likely benign. Review status: criteria provided, multiple submitters, no conflicts (2 of 4 stars). 2 submissions from 2 submitters: Likely benign (2). Last evaluated 2025-02-01.

Allele frequency attached by ClinVar (database versions not stated): TOPMed below 0.00001; gnomAD 0.00001; gnomAD exomes 0.00001.

Submissions (2):

CeGaT Center for Human Genetics Tuebingen
Classification: Likely benign. Last evaluated: 2025-02-01. Review status: criteria provided, single submitter. Criteria: CeGaT Center For Human Genetics Tuebingen Variant Classification Criteria Version 2. Collection method: clinical testing. Allele origin: germline. Affected: yes. Observed: 1 variant allele.
Comment: MAGEL2: BP4, BP7

Labcorp Genetics (formerly Invitae), Labcorp
Classification: Likely benign. Last evaluated: 2023-04-10. Review status: criteria provided, single submitter. Criteria: Invitae Variant Classification Sherloc (09022015). Collection method: clinical testing. Allele origin: germline.